The following is an entry in ClinVar:

NM_000179.3(MSH6):c.3920A>G (p.Asn1307Ser)

Gene: MSH6 (mutS homolog 6; plus strand). Cytogenetic location: 2p16.3.
Variant type: single nucleotide variant.
Coding change: c.3920A>G on transcript NM_000179.3 (MANE Select); coding-DNA position 3920, A replaced by G.
Protein change: p.Asn1307Ser; replaces asparagine 1307 with serine.
Molecular consequence: missense variant. On other transcripts: non-coding transcript variant (5), intron variant (1).
Genome position (GRCh38, 1-based): chr2:47,806,570, A>G. VCF-style: chr2-47806570-A-G. GRCh37 (hg19) VCF-style: chr2-48033709-A-G.
Other names: c.3752A>G, p.Asn1251Ser (NM_001406826.1); c.3623A>G, p.Asn1208Ser (NM_001406827.1, NM_001406828.1, NM_001406830.1 and 10 more transcripts); c.3014A>G, p.Asn1005Ser (NM_001406829.1, NM_001281493.2, NM_001281494.2 and 6 more transcripts); c.701A>G, p.Asn234Ser (NM_001406831.1); c.767A>G, p.Asn256Ser (NM_001406832.1); c.1865A>G, p.Asn622Ser (NM_001407362.1); c.3898-209A>G (NM_001406802.1); c.3530A>G, p.Asn1177Ser (NM_001281492.2); and 9 more; short protein forms N1019S, N1177S, N1309S, N1339S, N256S, N1208S, N785S, N1132S.
Identifiers: ClinVar variation 2810191 (VCV002810191.3), dbSNP rs2104561050, ClinGen allele CA346761458.

ClinVar aggregate classification (germline): Uncertain significance (1 of 4 stars; one submission).

Conditions:
Hereditary nonpolyposis colorectal neoplasms. Identifiers: MedGen C0009405, MeSH D003123.

Submission:

Labcorp Genetics (formerly Invitae), Labcorp
Classification: Uncertain significance for Hereditary nonpolyposis colorectal neoplasms. Last evaluated: 2022-11-02. Review status: criteria provided, single submitter. Criteria: Invitae Variant Classification Sherloc (09022015). Collection method: clinical testing. Allele origin: germline.
Comment: In summary, the available evidence is currently insufficient to determine the role of this variant in disease. Therefore, it has been classified as a Variant of Uncertain Significance. Advanced modeling of protein sequence and biophysical properties (such as structural, functional, and spatial information, amino acid conservation, physicochemical variation, residue mobility, and thermodynamic stability) performed at Invitae indicates that this missense variant is not expected to disrupt MSH6 protein function. This variant has not been reported in the literature in individuals affected with MSH6-related conditions. This variant is not present in population databases (gnomAD no frequency). This sequence change replaces asparagine, which is neutral and polar, with serine, which is neutral and polar, at codon 1307 of the MSH6 protein (p.Asn1307Ser).